The following is an entry in ClinVar:

NM_001298.3(CNGA3):c.1679C>T (p.Ser560Leu)

Gene: CNGA3 (cyclic nucleotide gated channel subunit alpha 3; plus strand). Cytogenetic location: 2q11.2.
Variant type: single nucleotide variant.
Coding change: c.1679C>T on transcript NM_001298.3 (MANE Select); coding-DNA position 1679, C replaced by T.
Protein change: p.Ser560Leu; replaces serine 560 with leucine.
Molecular consequence: missense variant.
Genome position (GRCh38, 1-based): chr2:98,396,849, C>T. VCF-style: chr2-98396849-C-T. GRCh37 (hg19) VCF-style: chr2-99013312-C-T.
Other names: c.1625C>T, p.Ser542Leu (NM_001079878.2); short protein forms S560L, S542L.
Identifiers: ClinVar variation 337664 (VCV000337664.10), dbSNP rs370911601, ClinGen allele CA1794064.

ClinVar aggregate classification (germline): Uncertain significance. Review status: criteria provided, multiple submitters, no conflicts (2 of 4 stars). 3 submissions from 3 submitters: Uncertain significance (3). Last evaluated 2023-12-29.

Conditions:
Achromatopsia 2 (ACHM2). Also called: COLORBLINDNESS, TOTAL; ROD MONOCHROMACY 2; ROD MONOCHROMATISM 2. Identifiers: Orphanet 49382, MedGen C1857618, MONDO:0009003, OMIM 216900.

Allele frequency attached by ClinVar (database versions not stated): gnomAD exomes 0.00003 and 0.00010; ExAC 0.00004; gnomAD 0.00005 and 0.00006; TOPMed 0.00010; ESP Exome Variant Server 0.00031.
gnomAD v4.1: 152 of 1,613,996 alleles (0.0094%); highest among the groups gnomAD compares: Non-Finnish European, 0.012%; no homozygotes.

Submissions (3):

Blueprint Genetics
Classification: Uncertain significance. Last evaluated: 2023-12-29. Review status: criteria provided, single submitter. Criteria: ACMG Guidelines, 2015. Collection method: clinical testing. Allele origin: germline.

Labcorp Genetics (formerly Invitae), Labcorp
Classification: Uncertain significance. Last evaluated: 2022-09-13. Review status: criteria provided, single submitter. Criteria: Invitae Variant Classification Sherloc (09022015). Collection method: clinical testing. Allele origin: germline.
Comment: This sequence change replaces serine, which is neutral and polar, with leucine, which is neutral and non-polar, at codon 560 of the CNGA3 protein (p.Ser560Leu). This variant is present in population databases (rs370911601, gnomAD 0.008%). This variant has not been reported in the literature in individuals affected with CNGA3-related conditions. ClinVar contains an entry for this variant (Variation ID: 337664). Advanced modeling of protein sequence and biophysical properties (such as structural, functional, and spatial information, amino acid conservation, physicochemical variation, residue mobility, and thermodynamic stability) has been performed at Invitae for this missense variant, however the output from this modeling did not meet the statistical confidence thresholds required to predict the impact of this variant on CNGA3 protein function. In summary, the available evidence is currently insufficient to determine the role of this variant in disease. Therefore, it has been classified as a Variant of Uncertain Significance.

Illumina Laboratory Services, Illumina
Classification: Uncertain significance for Achromatopsia 2. Last evaluated: 2018-01-12. Review status: criteria provided, single submitter. Criteria: ICSL Variant Classification Criteria 13 December 2019. Collection method: clinical testing. Allele origin: germline.